The following is an entry in ClinVar:

NM_002292.4(LAMB2):c.3387A>G (p.Gln1129=)

Gene: LAMB2 (laminin subunit beta 2; minus strand). Cytogenetic location: 3p21.31.
Variant type: single nucleotide variant.
Coding change: c.3387A>G on transcript NM_002292.4 (MANE Select); coding-DNA position 3387, A replaced by G.
Protein change: p.Gln1129=; no amino-acid change (glutamine 1129 retained).
Molecular consequence: synonymous variant.
Genome position (GRCh38, 1-based): chr3:49,124,227, T>C on the plus strand (A>G on the coding strand, the complement: LAMB2 is on the minus strand). VCF-style: chr3-49124227-T-C. GRCh37 (hg19) VCF-style: chr3-49161660-T-C.
Other names: p.Gln1129=.
Identifiers: ClinVar variation 258608 (VCV000258608.17), dbSNP rs34290943, ClinGen allele CA2394052.

ClinVar aggregate classification (germline): Benign. Review status: criteria provided, multiple submitters, no conflicts (2 of 4 stars). 8 submissions from 7 submitters: Benign (8). Last evaluated 2026-02-02.

Conditions:
LAMB2-related infantile-onset nephrotic syndrome. Also called: Nephrotic Syndrome, type 5; NEPHROTIC SYNDROME, TYPE 5, WITHOUT OCULAR ABNORMALITIES; NEPHROTIC SYNDROME, TYPE 5, WITH OCULAR ABNORMALITIES. Identifiers: Orphanet 306507, MedGen C3280113, MONDO:0013621, OMIM 614199.
Pierson syndrome. Also called: MICROCORIA-CONGENITAL NEPHROTIC SYNDROME. Identifiers: Orphanet 2670, MedGen C1836876, MONDO:0012184, OMIM 609049.

Allele frequency attached by ClinVar (database versions not stated): 1000 Genomes Project 30x 0.05731; 1000 Genomes Project 0.05811; TOPMed 0.07602; gnomAD 0.09068 and 0.09229; ESP Exome Variant Server 0.09419; ExAC 0.10567; gnomAD exomes 0.10868 and 0.11812.

Submissions (8):

Labcorp Genetics (formerly Invitae), Labcorp
Classification: Benign for LAMB2-related infantile-onset nephrotic syndrome; Pierson syndrome. Last evaluated: 2026-02-02. Review status: criteria provided, single submitter. Criteria: Invitae Variant Classification Sherloc (09022015). Collection method: clinical testing. Allele origin: germline.

Blueprint Genetics
Classification: Benign. Last evaluated: 2024-11-26. Review status: criteria provided, single submitter. Criteria: ACMG Guidelines, 2015. Collection method: clinical testing. Allele origin: germline.

Mayo Clinic Laboratories, Mayo Clinic
Classification: Benign. Last evaluated: 2022-03-09. Review status: criteria provided, single submitter. Criteria: ACMG Guidelines, 2015. Collection method: clinical testing. Allele origin: germline. Observed: 92 variant alleles.

GeneDx
Classification: Benign. Last evaluated: 2020-02-01. Review status: criteria provided, single submitter. Criteria: GeneDx Variant Classification Process June 2021. Collection method: clinical testing. Allele origin: germline. Affected: yes.

Illumina Laboratory Services, Illumina
Classification: Benign for Pierson syndrome. Last evaluated: 2018-01-13. Review status: criteria provided, single submitter. Criteria: ICSL Variant Classification Criteria 13 December 2019. Collection method: clinical testing. Allele origin: germline.
Comment: This variant was observed in the ICSL laboratory as part of a predisposition screen in an ostensibly healthy population. It had not been previously curated by ICSL or reported in the Human Gene Mutation Database (HGMD: prior to June 1st, 2018), and was therefore a candidate for classification through an automated scoring system. Utilizing variant allele frequency, disease prevalence and penetrance estimates, and inheritance mode, an automated score was calculated to assess if this variant is too frequent to cause the disease. Based on the score and internal cut-off values, a variant classified as benign is not then subjected to further curation. The score for this variant resulted in a classification of benign for this disease.

Illumina Laboratory Services, Illumina
Classification: Benign for LAMB2-related infantile-onset nephrotic syndrome. Last evaluated: 2018-01-13. Review status: criteria provided, single submitter. Criteria: ICSL Variant Classification Criteria 13 December 2019. Collection method: clinical testing. Allele origin: germline.
Comment: the same text as in the submission from Illumina Laboratory Services, Illumina above.

Breakthrough Genomics
Classification: Benign. Review status: criteria provided, single submitter. Criteria: ACMG Guidelines, 2015. Collection method: not provided. Allele origin: germline. Inheritance: Autosomal recessive inheritance. Affected: yes.

PreventionGenetics, part of Exact Sciences
Classification: Benign. Review status: criteria provided, single submitter. Criteria: ACMG Guidelines, 2015. Collection method: clinical testing. Allele origin: germline.